The following is an entry in ClinVar:

NM_002715.4(PPP2CA):c.841_842insAA (p.Thr281fs)

Gene: PPP2CA (protein phosphatase 2 catalytic subunit alpha; minus strand). Cytogenetic location: 5q31.1.
Variant type: Insertion.
Coding change: c.841_842insAA on transcript NM_002715.4 (MANE Select); coding-DNA positions 841 to 842, AA inserted.
Protein change: p.Thr281fs; shifts the reading frame from threonine 281.
Molecular consequence: frameshift variant. On other transcripts: non-coding transcript variant (1).
Genome position: GRCh38 VCF-style: chr5-134199101-G-GTT. GRCh37 (hg19) VCF-style: chr5-133534792-G-GTT.
Other names: c.646_647insAA, p.Thr216fs (NM_001355019.2); short protein forms T281fs, T216fs.
Identifiers: ClinVar variation 1370149 (VCV001370149.6), dbSNP rs2149382649, ClinGen allele CA2573139179.

ClinVar aggregate classification (germline): Pathogenic (1 of 4 stars; one submission).

Submission:

Labcorp Genetics (formerly Invitae), Labcorp
Classification: Pathogenic. Last evaluated: 2022-10-28. Review status: criteria provided, single submitter. Criteria: Invitae Variant Classification Sherloc (09022015). Collection method: clinical testing. Allele origin: germline.
Comment: For these reasons, this variant has been classified as Pathogenic. This variant disrupts a region of the PPP2CA protein in which other variant(s) (p.Arg295*) have been determined to be pathogenic (PMID: 30595372). This suggests that this is a clinically significant region of the protein, and that variants that disrupt it are likely to be disease-causing. Experimental studies and prediction algorithms are not available or were not evaluated, and the functional significance of this variant is currently unknown. ClinVar contains an entry for this variant (Variation ID: 1370149). This variant has not been reported in the literature in individuals affected with PPP2CA-related conditions. This variant is not present in population databases (gnomAD no frequency). This sequence change creates a premature translational stop signal (p.Thr281Lysfs*3) in the PPP2CA gene. While this is not anticipated to result in nonsense mediated decay, it is expected to disrupt the last 29 amino acid(s) of the PPP2CA protein.

Literature cited by the submitters: PubMed 30595372.